The following is an entry in ClinVar:

ClinVar aggregate classification (germline): Uncertain significance (1 of 4 stars; one submission).

Submission:

GeneDx
Classification: Uncertain significance. Last evaluated: 2021-04-07. Review status: criteria provided, single submitter. Criteria: GeneDx Variant Classification Process June 2021. Collection method: clinical testing. Allele origin: germline. Affected: yes.
Comment: Not observed in large population cohorts (Lek et al., 2016); In silico analysis supports that this missense variant has a deleterious effect on protein structure/function; Has not been previously published as pathogenic or benign to our knowledge

NM_002709.3(PPP1CB):c.197G>C (p.Gly66Ala)

Gene: PPP1CB (protein phosphatase 1 catalytic subunit beta; plus strand). Cytogenetic location: 2p23.2.
Variant type: single nucleotide variant.
Coding change: c.197G>C on transcript NM_002709.3 (MANE Select); coding-DNA position 197, G replaced by C.
Protein change: p.Gly66Ala; replaces glycine 66 with alanine.
Molecular consequence: missense variant.
Genome position (GRCh38, 1-based): chr2:28,778,821, G>C. VCF-style: chr2-28778821-G-C. GRCh37 (hg19) VCF-style: chr2-29001687-G-C.
Other names: c.197G>C, p.Gly66Ala (NM_206876.2); short protein forms G66A.
Identifiers: ClinVar variation 452027 (VCV000452027.3), dbSNP rs1553310737, ClinGen allele CA346581351.
Genomic context (GRCh38, chr2:28,778,821, plus strand): 5'-CTTATAACAGTAACCAATTTTTCTAAAACTGACTCTTTCTCTTTTTAGGAGATATTCATG[G>C]ACAATATACAGATTTACTGAGATTATTTGAATATGGAGGTTTCCCACCAGAAGCCAACTA-3'
Protein context (NP_002700.1, residues 56-76): APLKICGDIH[Gly66Ala]QYTDLLRLFE